The following is an entry in ClinVar:

NM_001371928.1(AHDC1):c.1019T>C (p.Leu340Pro)

Gene: AHDC1 (AT-hook DNA binding motif containing 1; minus strand). Cytogenetic location: 1p36.11.
Variant type: single nucleotide variant.
Coding change: c.1019T>C on transcript NM_001371928.1 (MANE Select); coding-DNA position 1019, T replaced by C.
Protein change: p.Leu340Pro; replaces leucine 340 with proline.
Molecular consequence: missense variant.
Genome position (GRCh38, 1-based): chr1:27,551,097, A>G on the plus strand (T>C on the coding strand, the complement: AHDC1 is on the minus strand). VCF-style: chr1-27551097-A-G. GRCh37 (hg19) VCF-style: chr1-27877608-A-G.
Other names: c.1019T>C, p.Leu340Pro (NM_001029882.3); short protein forms L340P.
Identifiers: ClinVar variation 1401761 (VCV001401761.9), dbSNP rs990867212, ClinGen allele CA19878295.
Genomic context (GRCh38, chr1:27,551,097, plus strand): 5'-GCCAGTGGGCAGTGCCCCAGGGGCTGCTGGGGCTCCAGACGGCGACCTGGGACGTCAAGC[A>G]GCTTGGGCAGGGGGTCGAGTGCCTGGGGGTCAAGCAGCTGCGACTCCAAGGAGTCAGGCA-3'
Protein context (NP_001358857.1, residues 330-350): DPQALDPLPK[Leu340Pro]LDVPGRRLEP

ClinVar aggregate classification (germline): Conflicting classifications of pathogenicity. Review status: criteria provided, conflicting classifications (1 of 4 stars). 2 submissions from 2 submitters: Uncertain significance (1); Likely benign (1). Last evaluated 2024-11-06.

Allele frequency attached by ClinVar (database versions not stated): gnomAD exomes below 0.00001; TOPMed 0.00001.
gnomAD v4.1: 3 of 1,573,494 alleles (0.00019%); highest among the groups gnomAD compares: Admixed American, 0.0019%; no homozygotes.

Submissions (2):

Labcorp Genetics (formerly Invitae), Labcorp
Classification: Likely benign. Last evaluated: 2024-11-06. Review status: criteria provided, single submitter. Criteria: Invitae Variant Classification Sherloc (09022015). Collection method: clinical testing. Allele origin: germline.

Women's Health and Genetics/Laboratory Corporation of America, LabCorp
Classification: Uncertain significance. Last evaluated: 2024-04-15. Review status: criteria provided, single submitter. Criteria: LabCorp Variant Classification Summary - May 2015. Collection method: clinical testing. Allele origin: germline.
Comment: Variant summary: AHDC1 c.1019T>C (p.Leu340Pro) results in a non-conservative amino acid change in the encoded protein sequence. Three of five in-silico tools predict a benign effect of the variant on protein function. The frequency data for this variant in gnomAD is considered unreliable, as metrics indicate poor data quality at this position. To our knowledge, no occurrence of c.1019T>C in individuals affected with Xia-Gibbs Syndrome and no experimental evidence demonstrating its impact on protein function have been reported. ClinVar contains an entry for this variant (Variation ID: 1401761). Based on the evidence outlined above, the variant was classified as uncertain significance.